The following is an entry in ClinVar:

NM_000341.4(SLC3A1):c.266T>C (p.Leu89Pro)

Gene: SLC3A1 (solute carrier family 3 member 1; plus strand). Cytogenetic location: 2p21.
Variant type: single nucleotide variant.
Coding change: c.266T>C on transcript NM_000341.4 (MANE Select); coding-DNA position 266, T replaced by C.
Protein change: p.Leu89Pro; replaces leucine 89 with proline.
Molecular consequence: missense variant.
Genome position (GRCh38, 1-based): chr2:44,275,801, T>C. VCF-style: chr2-44275801-T-C. GRCh37 (hg19) VCF-style: chr2-44502940-T-C.
Other names: short protein forms L89P.
Identifiers: ClinVar variation 2194451 (VCV002194451.7), dbSNP rs1453871309, ClinGen allele CA346686329.
Genomic context (GRCh38, chr2:44,275,801, plus strand): 5'-CCAAGGAGGTGCTGTTCCAGTTCTCTGGCCAGGCCCGCTACCGCATACCTCGGGAGATCC[T>C]CTTCTGGCTCACAGTGGCTTCTGTGCTGGTGCTCATCGCGGCCACCATAGCCATCATTGC-3'
Protein context (NP_000332.2, residues 79-99): QARYRIPREI[Leu89Pro]FWLTVASVLV

ClinVar aggregate classification (germline): Pathogenic/Likely pathogenic. Review status: criteria provided, multiple submitters, no conflicts (2 of 4 stars). 3 submissions from 3 submitters: Pathogenic (1); Likely pathogenic (2). Last evaluated 2026-03-11.

Conditions:
Cystinuria (CSNU). Also called: CYSTINURIA, TYPE I; CYSTINURIA, TYPE II; CYSTINURIA, TYPE III; Cystinuria, non-type I. Identifiers: Orphanet 214, MedGen C0010691, MONDO:0009067, OMIM 220100, HP:0003131.

Allele frequency attached by ClinVar (database versions not stated): gnomAD exomes 0.00002; gnomAD 0.00003; TOPMed 0.00004.
gnomAD v4.1: 34 of 1,614,142 alleles (0.0021%); highest among the groups gnomAD compares: Admixed American, 0.023%; no homozygotes.

Submissions (3):

Dasa
Classification: Likely pathogenic. Last evaluated: 2026-03-11. Review status: criteria provided, single submitter. Criteria: DASA Assertion Criteria. Collection method: clinical testing. Allele origin: germline.
Comment: NM_000341.4(SLC3A1):c.266T>C (p.Leu89Pro) is a missense variant that results in the substitution of leucine with proline. This variant has been recurrently observed in individuals with SLC3A1-related disorders (PMID: 38657578; PMID: 28646536; PMID: 38138969). Functional evidence supports an impact on the gene or gene product (PMID: 38657578; PMID: 28646536; PMID: 38138969; PMID: 18332091). Also, this variant is rare in population databases. Computational evidence supports a deleterious effect. Based on the currently available evidence, this variant is classified as likely pathogenic.

Labcorp Genetics (formerly Invitae), Labcorp
Classification: Pathogenic for Cystinuria. Last evaluated: 2025-10-18. Review status: criteria provided, single submitter. Criteria: Invitae Variant Classification Sherloc (09022015). Collection method: clinical testing. Allele origin: germline.
Comment: This sequence change replaces leucine, which is neutral and non-polar, with proline, which is neutral and non-polar, at codon 89 of the SLC3A1 protein (p.Leu89Pro). This variant is present in population databases (no rsID available, gnomAD 0.03%). This missense change has been observed in individual(s) with cystinuria (PMID: 15635077, 19782624, 28646536; internal data). ClinVar contains an entry for this variant (Variation ID: 2194451). An algorithm developed to predict the effect of missense changes on protein structure and function (PolyPhen-2) suggests that this variant is likely to be disruptive. Experimental studies have shown that this missense change affects SLC3A1 function (PMID: 18332091). For these reasons, this variant has been classified as Pathogenic.

Fulgent Genetics
Classification: Likely pathogenic for Cystinuria. Last evaluated: 2024-05-23. Review status: criteria provided, single submitter. Criteria: ACMG Guidelines, 2015. Collection method: clinical testing. Allele origin: germline.

Literature cited by the submitters: PubMed 38657578 (cited by Dasa); PubMed 28646536 (cited by Dasa and Labcorp Genetics (formerly Invitae), Labcorp); PubMed 38138969 (cited by Dasa); PubMed 18332091 (cited by Dasa and Labcorp Genetics (formerly Invitae), Labcorp); PubMed 15635077 (cited by Labcorp Genetics (formerly Invitae), Labcorp); PubMed 19782624 (cited by Labcorp Genetics (formerly Invitae), Labcorp).